The following is an entry in ClinVar:

ClinVar aggregate classification (germline): Pathogenic. Review status: reviewed by expert panel (3 of 4 stars). 2 submissions from 2 submitters: Pathogenic (1). 1 of the submissions does not count toward it. Last evaluated 2016-10-18.

Conditions:
Breast-ovarian cancer, familial, susceptibility to, 1 (BROVCA1). Also called: BRCA1 Hereditary Breast and Ovarian Cancer; OVARIAN CANCER, SUSCEPTIBILITY TO. Identifiers: Orphanet 145, MedGen C2676676, MONDO:0011450, OMIM 604370. Disease mechanism: loss of function.

Submissions (2):

Evidence-based Network for the Interpretation of Germline Mutant Alleles (ENIGMA)
Classification: Pathogenic for Breast-ovarian cancer, familial, susceptibility to, 1. Last evaluated: 2016-10-18. Review status: reviewed by expert panel. Criteria: ENIGMA BRCA1/2 Classification Criteria (2015). Collection method: curation. Allele origin: germline.
Comment: Variant allele predicted to encode a truncated non-functional protein.

Consortium of Investigators of Modifiers of BRCA1/2 (CIMBA), c/o University of Cambridge
Classification: Pathogenic for Breast-ovarian cancer, familial, susceptibility to, 1. Last evaluated: 2015-10-02. Review status: criteria provided, single submitter. Criteria: CIMBA Mutation Classification guidelines May 2016. Collection method: clinical testing. Allele origin: germline. Not counted in ClinVar's aggregate classification.

NM_007294.4(BRCA1):c.3837_3840del (p.Ser1280fs)

Genes: BRCA1 (BRCA1 DNA repair associated; minus strand), LOC126862571 (BRD4-independent group 4 enhancer GRCh37_chr17:41243136-41244335; plus strand). Cytogenetic location: 17q21.31.
Variant type: Deletion.
Coding change: c.3837_3840del on transcript NM_007294.4 (MANE Select); coding-DNA positions 3837 to 3840, 4 bases deleted (ATCT; older notation c.3837_3840delATCT).
Protein change: p.Ser1280fs; shifts the reading frame from serine 1280.
Molecular consequence: frameshift variant. On other transcripts: intron variant (135).
Genome position (GRCh38, 1-based): chr17:43,091,691-43,091,694, AGAT deleted on the plus strand (ATCT on the coding strand, the reverse complement: BRCA1 is on the minus strand). VCF-style (leftmost placement, unchanged base first): chr17-43091690-GAGAT-G. GRCh37 (hg19) VCF-style: chr17-41243707-GAGAT-G.
Other names: 3956del4-ter1159; c.3837_3840del, p.Ser1280fs (NM_001407593.1, NM_001407594.1, NM_001407596.1 and 30 more transcripts); c.3834_3837del, p.Ser1279fs (NM_001407610.1, NM_001407611.1, NM_001407612.1 and 22 more transcripts); c.3828_3831del, p.Ser1277fs (NM_001407646.1, NM_001407647.1); c.3714_3717del, p.Ser1239fs (NM_001407648.1, NM_001407664.1, NM_001407665.1 and 19 more transcripts); c.3711_3714del, p.Ser1238fs (NM_001407649.1, NM_001407670.1, NM_001407671.1 and 11 more transcripts); c.3759_3762del, p.Ser1254fs (NM_001407653.1, NM_001407654.1, NM_001407655.1 and 4 more transcripts); c.3756_3759del, p.Ser1253fs (NM_001407659.1, NM_001407660.1, NM_001407661.1 and 1 more transcripts); and 43 more; short protein forms S1233fs, S1280fs, S1153fs, S1191fs, S1212fs, S1238fs, S1239fs, S412fs.
Identifiers: ClinVar variation 266408 (VCV000266408.6), dbSNP rs886040168, ClinGen allele CA10589721.